The following is an entry in ClinVar:

NM_004845.5(PCYT1B):c.789T>C (p.Phe263=)

Gene: PCYT1B (phosphate cytidylyltransferase 1B, choline; minus strand). Cytogenetic location: Xp22.11.
Variant type: single nucleotide variant.
Coding change: c.789T>C on transcript NM_004845.5 (MANE Select); coding-DNA position 789, T replaced by C.
Protein change: p.Phe263=; no amino-acid change (phenylalanine 263 retained).
Molecular consequence: synonymous variant.
Genome position (GRCh38, 1-based): chrX:24,575,238, A>G on the plus strand (T>C on the coding strand, the complement: PCYT1B is on the minus strand). VCF-style: chrX-24575238-A-G. GRCh37 (hg19) VCF-style: chrX-24593355-A-G.
Other names: c.735T>C, p.Phe245= (NM_001163264.2); c.789T>C, p.Phe263= (NM_001163265.2).
Identifiers: ClinVar variation 2660194 (VCV002660194.24), dbSNP rs147546906, ClinGen allele CA10372487.

ClinVar aggregate classification (germline): Likely benign (1 of 4 stars; one submission).

Allele frequency attached by ClinVar (database versions not stated): gnomAD exomes 0.00009; ExAC 0.00010; TOPMed 0.00013; gnomAD 0.00015; ESP Exome Variant Server 0.00028.
gnomAD v4.1: 114 of 1,206,214 alleles (0.0095%); highest among the groups gnomAD compares: Non-Finnish European, 0.012%; no homozygotes.

Submission:

CeGaT Center for Human Genetics Tuebingen
Classification: Likely benign. Last evaluated: 2023-02-01. Review status: criteria provided, single submitter. Criteria: CeGaT Center For Human Genetics Tuebingen Variant Classification Criteria Version 2. Collection method: clinical testing. Allele origin: germline. Affected: yes. Observed: 1 variant allele.
Comment: PCYT1B: BP4, BS2